The following is an entry in ClinVar:

NM_000400.4(ERCC2):c.934G>A (p.Asp312Asn)

Gene: ERCC2 (ERCC excision repair 2, TFIIH core complex helicase subunit; minus strand). Cytogenetic location: 19q13.32.
Variant type: single nucleotide variant.
Coding change: c.934G>A on transcript NM_000400.4 (MANE Select); coding-DNA position 934, G replaced by A.
Protein change: p.Asp312Asn; replaces aspartic acid 312 with asparagine.
Molecular consequence: missense variant.
Genome position (GRCh38, 1-based): chr19:45,364,001, C>T on the plus strand (G>A on the coding strand, the complement: ERCC2 is on the minus strand). VCF-style: chr19-45364001-C-T. GRCh37 (hg19) VCF-style: chr19-45867259-C-T.
Other names: c.862G>A, p.Asp288Asn (NM_001130867.2); short protein forms D312N, D288N.
Identifiers: ClinVar variation 134117 (VCV000134117.31), dbSNP rs1799793, ClinGen allele CA158818.

ClinVar aggregate classification (germline): Benign/Likely benign. Review status: criteria provided, multiple submitters, no conflicts (2 of 4 stars). 16 submissions from 14 submitters: Benign (11); Likely benign (2). 3 of the submissions do not count toward it. Last evaluated 2026-02-04.

Conditions:
Trichothiodystrophy 1, photosensitive (TTD1). Also called: TAY SYNDROME; TRICHOTHIODYSTROPHY WITH CONGENITAL ICHTHYOSIS; PIBIDS SYNDROME. Identifiers: Orphanet 33364, MedGen C1866504, MONDO:0011125, OMIM 601675.
Cerebrooculofacioskeletal syndrome 2 (COFS2). Identifiers: MedGen C1853102, MONDO:0012553, OMIM 610756.
Xeroderma pigmentosum, group D (XPD). Also called: XERODERMA PIGMENTOSUM IV; XP, GROUP D; XP, GROUP H; XERODERMA PIGMENTOSUM, COMPLEMENTATION GROUP D; ERCC2-Related Xeroderma Pigmentosum. Identifiers: MedGen C0268138, MONDO:0010212, OMIM 278730.

Allele frequency attached by ClinVar (database versions not stated): 1000 Genomes Project 30x 0.19144; 1000 Genomes Project 0.19449; TOPMed 0.24294; ESP Exome Variant Server 0.24385; gnomAD 0.26287 and 0.26310; ExAC 0.37882.

Submissions (16):

Labcorp Genetics (formerly Invitae), Labcorp
Classification: Benign. Last evaluated: 2026-02-04. Review status: criteria provided, single submitter. Criteria: Invitae Variant Classification Sherloc (09022015). Collection method: clinical testing. Allele origin: germline.

Blueprint Genetics
Classification: Benign. Last evaluated: 2024-11-28. Review status: criteria provided, single submitter. Criteria: ACMG Guidelines, 2015. Collection method: clinical testing. Allele origin: germline.

KCCC/NGS Laboratory, Kuwait Cancer Control Center
Classification: Benign for Xeroderma pigmentosum, group D. Last evaluated: 2023-07-07. Review status: criteria provided, single submitter. Criteria: ACMG Guidelines, 2015. Collection method: clinical testing. Allele origin: germline. Affected: yes.

Women's Health and Genetics/Laboratory Corporation of America, LabCorp
Classification: Likely benign. Last evaluated: 2021-12-03. Review status: criteria provided, single submitter. Criteria: LabCorp Variant Classification Summary - May 2015. Collection method: clinical testing. Allele origin: germline.

Genome-Nilou Lab
Classification: Benign for Cerebrooculofacioskeletal syndrome 2. Last evaluated: 2021-07-30. Review status: criteria provided, single submitter. Criteria: ACMG Guidelines, 2015. Collection method: clinical testing. Allele origin: germline. Affected: no.

Genome-Nilou Lab
Classification: Benign for Trichothiodystrophy 1, photosensitive. Last evaluated: 2021-07-30. Review status: criteria provided, single submitter. Criteria: ACMG Guidelines, 2015. Collection method: clinical testing. Allele origin: germline. Affected: no.

Genome-Nilou Lab
Classification: Benign for Xeroderma pigmentosum, group D. Last evaluated: 2021-07-30. Review status: criteria provided, single submitter. Criteria: ACMG Guidelines, 2015. Collection method: clinical testing. Allele origin: germline. Affected: no.

Mendelics
Classification: Benign for Xeroderma pigmentosum, group D. Last evaluated: 2019-05-28. Review status: criteria provided, single submitter. Criteria: Mendelics Assertion Criteria 2017. Collection method: clinical testing. Allele origin: unknown.

GeneDx
Classification: Benign. Last evaluated: 2018-09-18. Review status: criteria provided, single submitter. Criteria: GeneDx Variant Classification Process June 2021. Collection method: clinical testing. Allele origin: germline. Affected: yes.
Comment: This variant is associated with the following publications: (PMID: 27306318, 24841663, 25916209, 24101192, 24933002, 23973729, 29989875, 27153395, 24868140, 11606376, 19041121, 24728327, 21245954, 19242824, 21643959, 19669592, 19055600, 18641418, 22184993, 14630517, 20070155, 19706757)

Illumina Laboratory Services, Illumina
Classification: Benign for Xeroderma pigmentosum, group D. Last evaluated: 2018-03-06. Review status: criteria provided, single submitter. Criteria: ICSL Variant Classification Criteria 13 December 2019. Collection method: clinical testing. Allele origin: germline.
Comment: This variant was observed in the ICSL laboratory as part of a predisposition screen in an ostensibly healthy population. It had not been previously curated by ICSL or reported in the Human Gene Mutation Database (HGMD: prior to June 1st, 2018), and was therefore a candidate for classification through an automated scoring system. Utilizing variant allele frequency, disease prevalence and penetrance estimates, and inheritance mode, an automated score was calculated to assess if this variant is too frequent to cause the disease. Based on the score and internal cut-off values, a variant classified as benign is not then subjected to further curation. The score for this variant resulted in a classification of benign for this disease.

Laboratory for Molecular Medicine, Mass General Brigham Personalized Medicine
Classification: Benign. Last evaluated: 2016-03-28. Review status: criteria provided, single submitter. Criteria: LMM Criteria. Collection method: clinical testing. Allele origin: germline.
Comment: Variant identified in a genome or exome case(s) and assessed due to predicted null impact of the variant or pathogenic assertions in the literature or databases. Disclaimer: This variant has not undergone full assessment. The following are preliminary notes: Frequency, variant associated with cancer risk

Breakthrough Genomics
Classification: Likely benign. Review status: criteria provided, single submitter. Criteria: ACMG Guidelines, 2015. Collection method: not provided. Allele origin: germline. Inheritance: Autosomal recessive inheritance. Affected: yes.

PreventionGenetics, part of Exact Sciences
Classification: Benign. Review status: criteria provided, single submitter. Criteria: ACMG Guidelines, 2015. Collection method: clinical testing. Allele origin: germline.

ITMI
No classification provided. Condition: AllHighlyPenetrant. Last evaluated: 2013-09-19. Review status: no classification provided. Collection method: reference population. Allele origin: germline. Not counted in ClinVar's aggregate classification.
Comment: Please see associated publication for description of ethnicities

Clinical Genetics DNA and cytogenetics Diagnostics Lab, Erasmus MC, Erasmus Medical Center
Classification: Benign. Review status: no assertion criteria provided. Collection method: clinical testing. Allele origin: germline. Affected: yes. Study: VKGL Data-share Consensus. Not counted in ClinVar's aggregate classification.

Diagnostic Laboratory, Department of Genetics, University Medical Center Groningen
Classification: Benign. Review status: no assertion criteria provided. Collection method: clinical testing. Allele origin: germline. Affected: yes. Study: VKGL Data-share Consensus. Not counted in ClinVar's aggregate classification.

Literature cited by the submitters: PubMed 24728327 (cited by ITMI).